The following is an entry in ClinVar:

NM_000108.5(DLD):c.100A>G (p.Thr34Ala)

Gene: DLD (dihydrolipoamide dehydrogenase; plus strand). Cytogenetic location: 7q31.1.
Variant type: single nucleotide variant.
Coding change: c.100A>G on transcript NM_000108.5 (MANE Select); coding-DNA position 100, A replaced by G.
Protein change: p.Thr34Ala; replaces threonine 34 with alanine.
Molecular consequence: missense variant. On other transcripts: 5 prime UTR variant (1).
Genome position (GRCh38, 1-based): chr7:107,893,260, A>G. VCF-style: chr7-107893260-A-G. GRCh37 (hg19) VCF-style: chr7-107533705-A-G.
Other names: p.Thr34Ala; c.-49A>G (NM_001289750.1); c.100A>G, p.Thr34Ala (NM_001289751.1, NM_001289752.1); short protein forms T34A.
Identifiers: ClinVar variation 203672 (VCV000203672.66), dbSNP rs138002793, ClinGen allele CA312448.

ClinVar aggregate classification (germline): Conflicting classifications of pathogenicity. Review status: criteria provided, conflicting classifications (1 of 4 stars). 14 submissions from 12 submitters: Uncertain significance (10); Likely benign (1). 3 of the submissions do not count toward it. Last evaluated 2026-08-01.

Conditions:
Pyruvate dehydrogenase E3 deficiency (DLDD). Also called: DLD DEFICIENCY; E3 DEFICIENCY; Dihydrolipoamide Dehydrogenase E3 Deficiency; Dihydrolipoamide Dehydrogenase (E3) Deficiency; MAPLE SYRUP URINE DISEASE, TYPE III; Lipoamide dehydrogenase deficiency, lactic acidosis due to. Identifiers: Orphanet 2394, Orphanet 765, MedGen C5574660, MONDO:0009529, OMIM 246900.
Pyruvate dehydrogenase complex deficiency (PDHC). Also called: Pyruvate Dehydrogenase Complex Deficiency Disease; Pyruvate dehydrogenase deficiency; Ataxia with lactic acidosis 1; PYRUVATE DECARBOXYLASE DEFICIENCY; PDH DEFICIENCY. Identifiers: Orphanet 765, Orphanet 79243, MedGen C0034345, MONDO:0019169.
Leigh syndrome (NULS). Also called: Leigh Disease; Subacute necrotizing encephalopathy; Necrotizing encephalopathy infantile subacute of Leigh; Leigh's syndrome; LEIGH SYNDROME, NUCLEAR; Leigh Syndrome (mtDNA deletion). Identifiers: Orphanet 506, MedGen C2931891, MONDO:0009723, OMIM 256000.

Allele frequency attached by ClinVar (database versions not stated): 1000 Genomes Project 0.00020; gnomAD 0.00045 and 0.00046; 1000 Genomes Project 30x 0.00016; gnomAD exomes 0.00053 and 0.00091; TOPMed 0.00056; ExAC 0.00062; ESP Exome Variant Server 0.00115.
gnomAD v4.1: 1,390 of 1,613,326 alleles (0.086%); highest among the groups gnomAD compares: Middle Eastern, 0.12%; no homozygotes.

Submissions (14):

CeGaT Center for Human Genetics Tuebingen
Classification: Uncertain significance. Last evaluated: 2026-08-01. Review status: criteria provided, single submitter. Criteria: CeGaT Center For Human Genetics Tuebingen Variant Classification Criteria Version 2. Collection method: clinical testing. Allele origin: germline. Affected: yes. Observed: 3 variant alleles.

Labcorp Genetics (formerly Invitae), Labcorp
Classification: Likely benign for Pyruvate dehydrogenase E3 deficiency. Last evaluated: 2026-01-22. Review status: criteria provided, single submitter. Criteria: Invitae Variant Classification Sherloc (09022015). Collection method: clinical testing. Allele origin: germline.

Blueprint Genetics
Classification: Uncertain significance. Last evaluated: 2024-10-28. Review status: criteria provided, single submitter. Criteria: ACMG Guidelines, 2015. Collection method: clinical testing. Allele origin: germline.

Mayo Clinic Laboratories, Mayo Clinic
Classification: Uncertain significance. Last evaluated: 2024-06-06. Review status: criteria provided, single submitter. Criteria: ACMG Guidelines, 2015. Collection method: clinical testing. Allele origin: germline. Observed: 1 variant allele.
Comment: BP4, PM2

Baylor Genetics
Classification: Uncertain significance for Pyruvate dehydrogenase E3 deficiency. Last evaluated: 2023-09-13. Review status: criteria provided, single submitter. Criteria: ACMG Guidelines, 2015. Collection method: clinical testing. Allele origin: unknown.

Illumina Laboratory Services, Illumina
Classification: Uncertain significance for Pyruvate dehydrogenase E3 deficiency. Last evaluated: 2018-01-13. Review status: criteria provided, single submitter. Criteria: ICSL Variant Classification Criteria 13 December 2019. Collection method: clinical testing. Allele origin: germline.

Illumina Laboratory Services, Illumina
Classification: Uncertain significance for Leigh syndrome. Last evaluated: 2018-01-13. Review status: criteria provided, single submitter. Criteria: ICSL Variant Classification Criteria 13 December 2019. Collection method: clinical testing. Allele origin: germline.

Illumina Laboratory Services, Illumina
Classification: Uncertain significance for Pyruvate dehydrogenase complex deficiency. Last evaluated: 2018-01-13. Review status: criteria provided, single submitter. Criteria: ICSL Variant Classification Criteria 13 December 2019. Collection method: clinical testing. Allele origin: germline.

ARUP Laboratories, Molecular Genetics and Genomics, ARUP Laboratories
Classification: Uncertain significance. Last evaluated: 2017-04-14. Review status: criteria provided, single submitter. Criteria: ARUP Molecular Germline Variant Investigation Process. Collection method: clinical testing. Allele origin: germline.

Eurofins Ntd Llc (ga)
Classification: Uncertain significance. Last evaluated: 2015-09-21. Review status: criteria provided, single submitter. Criteria: EGL Classification Definitions 2015. Collection method: clinical testing. Allele origin: germline. Observed: 1 variant allele, 1 heterozygote.

Breakthrough Genomics
Classification: Uncertain significance. Review status: criteria provided, single submitter. Criteria: ACMG Guidelines, 2015. Collection method: not provided. Allele origin: germline. Inheritance: Autosomal recessive inheritance. Affected: yes.

Natera, Inc.
Classification: Uncertain significance for Maple syrup urine disease type 3. Last evaluated: 2020-01-17. Review status: no assertion criteria provided. Collection method: clinical testing. Allele origin: germline. Not counted in ClinVar's aggregate classification.

Clinical Genetics DNA and cytogenetics Diagnostics Lab, Erasmus MC, Erasmus Medical Center
Classification: Likely benign. Review status: no assertion criteria provided. Collection method: clinical testing. Allele origin: germline. Affected: yes. Study: VKGL Data-share Consensus. Not counted in ClinVar's aggregate classification.

Laboratory of Diagnostic Genome Analysis, Leiden University Medical Center (LUMC)
Classification: Likely benign. Review status: no assertion criteria provided. Collection method: clinical testing. Allele origin: germline. Affected: yes. Study: VKGL Data-share Consensus. Not counted in ClinVar's aggregate classification.